The following is an entry in ClinVar:

ClinVar aggregate classification (germline): Uncertain significance (1 of 4 stars; one submission).

Conditions:
PURA-related severe neonatal hypotonia-seizures-encephalopathy syndrome (NEDRIHF). Also called: NEURODEVELOPMENTAL DISORDER WITH NEONATAL RESPIRATORY INSUFFICIENCY, HYPOTONIA, AND FEEDING DIFFICULTIES; PURA-Related Neurodevelopmental Disorders. Identifiers: Orphanet 438213, Orphanet 438216, MedGen C4015357, MONDO:1060108, OMIM 616158, MONDO:0018580.

Submission:

Neuberg Centre For Genomic Medicine, NCGM
Classification: Uncertain significance for PURA-related severe neonatal hypotonia-seizures-encephalopathy syndrome. Last evaluated: 2023-05-20. Review status: criteria provided, single submitter. Criteria: ACMG Guidelines, 2015. Collection method: clinical testing. Allele origin: germline. Inheritance: Autosomal dominant inheritance. Affected: yes.
Comment: The observed missense c.580G>A(p.Gly194Arg) variant in PURA gene has not been reported previously as a pathogenic variant nor as a benign variant, to our knowledge. This variant is absent in gnomAD Exomes. The amino acid Gly at position 194 is changed to a Arg changing protein sequence and it might alter its composition and physico-chemical properties. The amino acid change p.Gly194Arg in PURA is predicted as conserved by GERP++ and PhyloP across 100 vertebrates. Multiple lines of computational evidence (Polyphen - Damaging, SIFT - Damaging, and MutationTaster - Disease causing) predict a damaging effect on protein structure and function for this variant. For these reasons, this variant has been classified as Uncertain Significance.

NM_005859.5(PURA):c.580G>A (p.Gly194Arg)

Gene: PURA (purine rich element binding protein A; plus strand). Cytogenetic location: 5q31.3.
Variant type: single nucleotide variant.
Coding change: c.580G>A on transcript NM_005859.5 (MANE Select); coding-DNA position 580, G replaced by A.
Protein change: p.Gly194Arg; replaces glycine 194 with arginine.
Molecular consequence: missense variant.
Genome position (GRCh38, 1-based): chr5:140,114,761, G>A. VCF-style: chr5-140114761-G-A. GRCh37 (hg19) VCF-style: chr5-139494346-G-A.
Other names: short protein forms G194R.
Identifiers: ClinVar variation 3362366 (VCV003362366.3).